The following is an entry in ClinVar:

NM_019892.6(INPP5E):c.587C>T (p.Ala196Val)

Gene: INPP5E (inositol polyphosphate-5-phosphatase E; minus strand). Cytogenetic location: 9q34.3.
Variant type: single nucleotide variant.
Coding change: c.587C>T on transcript NM_019892.6 (MANE Select); coding-DNA position 587, C replaced by T.
Protein change: p.Ala196Val; replaces alanine 196 with valine.
Molecular consequence: missense variant.
Genome position (GRCh38, 1-based): chr9:136,438,833, G>A on the plus strand (C>T on the coding strand, the complement: INPP5E is on the minus strand). VCF-style: chr9-136438833-G-A. GRCh37 (hg19) VCF-style: chr9-139333285-G-A.
Other names: c.587C>T (NM_019892.5); c.587C>T, p.Ala196Val (NM_001318502.2); short protein forms A196V.
Identifiers: ClinVar variation 1989818 (VCV001989818.4), dbSNP rs371950473, ClinGen allele CA5337128.

ClinVar aggregate classification (germline): Uncertain significance. Review status: criteria provided, multiple submitters, no conflicts (2 of 4 stars). 3 submissions from 3 submitters: Uncertain significance (3). Last evaluated 2026-03-04.

Conditions:
MORM syndrome (MORMS). Identifiers: Orphanet 75858, MedGen C1857802, MONDO:0012423, OMIM 610156.
Joubert syndrome 1 (JBTS1). Also called: Cerebellooculorenal syndrome 1; CEREBELLOPARENCHYMAL DISORDER IV. Identifiers: MedGen C4551568, MONDO:0008944, OMIM 213300.
INPP5E-related disorder. Also called: INPP5E-related condition.
Joubert syndrome. Also called: Familial aplasia of the vermis; JOUBERT-BOLTSHAUSER SYNDROME. Identifiers: Orphanet 475, MedGen C5979921, MONDO:0018772.

Allele frequency attached by ClinVar (database versions not stated): gnomAD exomes below 0.00001; ExAC 0.00001; TOPMed 0.00005; gnomAD 0.00006; ESP Exome Variant Server 0.00015.
gnomAD v4.1: 15 of 1,610,132 alleles (0.00093%); highest among the groups gnomAD compares: African/African-American, 0.013%; no homozygotes.

Submissions (3):

PreventionGenetics, part of Exact Sciences
Classification: Uncertain significance for INPP5E-related condition. Last evaluated: 2026-03-04. Review status: criteria provided, single submitter. Criteria: ACMG Guidelines, 2015. Collection method: clinical testing. Allele origin: germline.
Comment: The INPP5E c.587C>T variant is predicted to result in the amino acid substitution p.Ala196Val. To our knowledge, this variant has not been reported in the literature. This variant is reported in 0.0087% of alleles in individuals of African descent in gnomAD. At this time, the clinical significance of this variant is uncertain due to the absence of conclusive functional and genetic evidence.

Fulgent Genetics
Classification: Uncertain significance for Joubert syndrome 1; MORM syndrome. Last evaluated: 2024-06-11. Review status: criteria provided, single submitter. Criteria: ACMG Guidelines, 2015. Collection method: clinical testing. Allele origin: germline.

Labcorp Genetics (formerly Invitae), Labcorp
Classification: Uncertain significance for Joubert syndrome. Last evaluated: 2022-05-25. Review status: criteria provided, single submitter. Criteria: Invitae Variant Classification Sherloc (09022015). Collection method: clinical testing. Allele origin: germline.
Comment: In summary, the available evidence is currently insufficient to determine the role of this variant in disease. Therefore, it has been classified as a Variant of Uncertain Significance. Advanced modeling of protein sequence and biophysical properties (such as structural, functional, and spatial information, amino acid conservation, physicochemical variation, residue mobility, and thermodynamic stability) performed at Invitae indicates that this missense variant is not expected to disrupt INPP5E protein function. This variant has not been reported in the literature in individuals affected with INPP5E-related conditions. The frequency data for this variant in the population databases is considered unreliable, as metrics indicate poor data quality at this position in the gnomAD database. This sequence change replaces alanine, which is neutral and non-polar, with valine, which is neutral and non-polar, at codon 196 of the INPP5E protein (p.Ala196Val).